The following is an entry in ClinVar:

ClinVar aggregate classification (germline): Pathogenic. Review status: reviewed by expert panel (3 of 4 stars). 14 submissions from 14 submitters: Pathogenic (1). 13 of the submissions do not count toward it. Last evaluated 2022-06-30.

Conditions:
GAA-related disorders.
Glycogen storage disease, type II (IOPD). Also called: CARDIOMEGALIA GLYCOGENICA DIFFUSA; Glycogen storage disease type 2; Acid maltase deficiency disease; Aglucosidase alfa; Deficiency of alpha-glucosidase; Deficiency of lysosomal alpha-glucosidase. Identifiers: Orphanet 365, MedGen C0017921, MONDO:0009290, OMIM 232300.

Allele frequency attached by ClinVar (database versions not stated): gnomAD 0.00004 and 0.00003; TOPMed 0.00006; gnomAD exomes below 0.00001 and 0.00001; ExAC 0.00002.

Submissions 1 to 8 of 14:

ClinGen Lysosomal Storage Disorder Variant Curation Expert Panel
Classification: Pathogenic for Glycogen storage disease, type II. Last evaluated: 2022-06-30. Review status: reviewed by expert panel. Criteria: clingen_lsd_acmg_specifications_v2-1. Collection method: curation. Allele origin: germline. Inheritance: Autosomal recessive inheritance.
Comment: The NM_000152.5:c.1309C>T variant in GAA is a missense variant predicted to cause substitution of arginine by cysteine at amino acid 437 (p.Arg437Cys). This variant has been reported in at least 16 East Asian individuals with late onset Pompe disease (PMID: 34356580) including 11 individuals with documented laboratory values reporting GAA activity <10% normal in muscle or skin fibroblasts or in the affected range in a clinically validated dried blood spot assay and/or histological features consistent with Pompe disease in muscle, and/or on enzyme replacement therapy for Pompe disease (PMID 22521436, 29786057, 27692865, 30360039)(PP4_Moderate). Ten individuals are reported to be compound heterozygous for the variant and another variant in GAA that has been classified as pathogenic by the ClinGen LSD VCEP including one confirmed in trans, c.1082C>T (p.Pro361Leu) (PMID: 12601120), and 9 phase unknown, c.796C>T (p.Pro266Ser) (PMID: 25526786), c.1082C>T (p.Pro361Leu) (PMID: 27692865), c.1316T>A (p.Met439Lys) (PMID: 25388776), c.1822C>T (p.Arg608Ter) (PMID: 30360039), c.1978C>T (p.Arg600Cys) (PMID: 29124014, 3 probands), c.2238G>C (p.Trp746Cys) (PMID: 27692865), c.2297A>G (p.Tyr766Cys) (PMID: 29124014) (PM3_VeryStrong). The variant has also been reported in compound heterozygosity with c.1544T>A (p.Met515Lys) (PMID: 24190153), c.1562A>T (p.Glu521Val) (PMID: 29786057), c.1857C>G (p.Ser619Arg) (PMID: 291240140, c.2051C>A (p.Pro684Gln) (PMID: 29451150), c.2177C>G (p.Pro726Arg) (PMID: 29124014), and c.2297A>C (p.Tyr766Ser) (PMID: 22521436). The allelic data from these patients will be used in the classification of the second variant and is not included here in order to avoid circular logic. Additional patients have also been reported but the data was not included because the cDNA sequences of the variants was not included (PMID: 18495398, 21471980, 21704464). The highest population minor allele frequency in gnomAD v2.1.1 is 0.00009 (2/21914 alleles) in the African population, which is lower than the ClinGen LSD VCEP’s threshold for PM2_Supporting (<0.001), meeting this criterion (PM2_Supporting). Expression of the variant in Ad5-SV40 immortalized human GAA-deficient fibroblast cells showed no detectable GAA enzyme activity, and another study showed abnormal synthesis and processing of GAA when the variant was expressed in COS cells, indicating that this variant may impact protein function (PMID: 12601120, 19862843)(PS3_Supporting). The computational predictor REVEL gives a score of 0.782, which is above the threshold of 0.7, evidence that correlates with impact to GAA function (PP3). A novel variant at the same amino acid position, c.1310G>A (p.Arg437His) has been reported in a patient with Pompe disease (PMID: 25681614) but has not yet been classified as pathogenic or likely pathogenic by the ClinGen LSD VCEP and, therefore, PM5 is not applied. There is a ClinVar entry for this variant (Variation ID: 189082, 2 star review status) with 6 submitters classifying the variant as pathogenic and two as likely pathogenic). In summary, this variant meets the criteria to be classified as pathogenic for Pompe disease. GAA-specific ACMG/AMP criteria applied, as specified by the ClinGen LSD VCEP (Specifications Version 2.0): PM3_VeryStrong, PP4_Moderate, PP3, PS3_Supporting, PM2_Supporting.

Genomenon, Inc
Classification: Pathogenic for Glycogen storage disease, type II. Last evaluated: 2026-07-01. Review status: criteria provided, single submitter. Criteria: Genomenon Sequence Variant Interpretation Standards - Updated. Collection method: curation. Allele origin: germline. Affected: yes. Not counted in ClinVar's aggregate classification.
Comment: GAA p.Arg437Cys (c.1309C>T) is a missense variant that changes the amino acid at codon 437 from Arginine to Cysteine. This variant has been observed in at least one proband with a GAA-related disorder in the compound heterozygous and/or homozygous state (PMID:39010129;21940687;28754168;29786057;12601120;29124014;17805474;24872213;18495398). At least one functional study has demonstrated a substantial alteration in protein function relative to the wild-type (PMID:12601120). It is absent or not present at a significant frequency in gnomAD. In silico models predict that this variant is possibly or probably damaging. In conclusion, we classify GAA p.Arg437Cys (c.1309C>T) as a pathogenic variant.

Labcorp Genetics (formerly Invitae), Labcorp
Classification: Pathogenic for Glycogen storage disease, type II. Last evaluated: 2026-01-26. Review status: criteria provided, single submitter. Criteria: Invitae Variant Classification Sherloc (09022015). Collection method: clinical testing. Allele origin: germline. Not counted in ClinVar's aggregate classification.
Comment: This sequence change replaces arginine, which is basic and polar, with cysteine, which is neutral and slightly polar, at codon 437 of the GAA protein (p.Arg437Cys). The frequency data for this variant in the population databases is considered unreliable, as metrics indicate poor data quality at this position in the gnomAD database. This missense change has been observed in individual(s) with glycogen storage disease (PMID: 12601120, 17805474, 29124014). In at least one individual the data is consistent with being in trans (on the opposite chromosome) from a pathogenic variant. ClinVar contains an entry for this variant (Variation ID: 189082). Invitae Evidence Modeling of protein sequence and biophysical properties (such as structural, functional, and spatial information, amino acid conservation, physicochemical variation, residue mobility, and thermodynamic stability) indicates that this missense variant is expected to disrupt GAA protein function with a positive predictive value of 95%. Experimental studies have shown that this missense change affects GAA function (PMID: 12601120). For these reasons, this variant has been classified as Pathogenic.

Natera, Inc.
Classification: Pathogenic for Glycogen storage disease type II. Last evaluated: 2025-12-17. Review status: criteria provided, single submitter. Criteria: Natera Variant Classification Schema (03/2026). Collection method: clinical testing. Allele origin: germline. Not counted in ClinVar's aggregate classification.
Comment: The c.1309C>T variant in GAA is a missense variant predicted to cause substitution of arginine to cysteine at amino acid 437. This variant is rare in the general population with a frequency below the threshold expected for the associated phenotype(s). This variant has been observed in one or more individuals affected with the associated recessive disease, as either homozygous or compound heterozygous with a second variant (PMID: 25526786, 21940687, 12601120). Computational prediction algorithms indicate this variant is likely to affect gene or protein function. Given the available evidence, this variant is classified as Pathogenic.

Fulgent Genetics
Classification: Pathogenic for Glycogen storage disease, type II. Last evaluated: 2024-05-03. Review status: criteria provided, single submitter. Criteria: ACMG Guidelines, 2015. Collection method: clinical testing. Allele origin: germline. Not counted in ClinVar's aggregate classification.

Revvity Omics, Revvity
Classification: Pathogenic. Last evaluated: 2024-02-20. Review status: criteria provided, single submitter. Criteria: ACMG Guidelines, 2015. Collection method: clinical testing. Allele origin: germline. Not counted in ClinVar's aggregate classification.

3billion
Classification: Likely pathogenic for Glycogen storage disease, type II. Last evaluated: 2023-10-11. Review status: criteria provided, single submitter. Criteria: ACMG Guidelines, 2015. Collection method: clinical testing. Allele origin: germline. Affected: yes. Not counted in ClinVar's aggregate classification.
Comment: The variant is observed at an extremely low frequency in the gnomAD v2.1.1 dataset (total allele frequency: 0.001%). Predicted Consequence/Location: Missense variant In silico tool predictions suggest damaging effect of the variant on gene or gene product [REVEL: 0.78 (>=0.6, sensitivity 0.68 and specificity 0.92); 3Cnet: 0.87 (>=0.6, sensitivity 0.72 and precision 0.9)]. Same nucleotide change resulting in same amino acid change has been previously reported as pathogenic/likely pathogenic with strong evidence (ClinVar ID: VCV000189082 /PMID: 12601120 /3billion dataset). A different missense change at the same codon (p.Arg437Ser) has been reported to be associated with GAA related disorder (ClinVar ID: VCV002155070). Therefore, this variant is classified as Likely pathogenic according to the recommendation of ACMG/AMP guideline.

GeneDx
Classification: Pathogenic. Last evaluated: 2022-09-14. Review status: criteria provided, single submitter. Criteria: GeneDx Variant Classification Process June 2021. Collection method: clinical testing. Allele origin: germline. Affected: yes. Not counted in ClinVar's aggregate classification.
Comment: Published functional studies with this variant showed no detectable GAA activity in Ad5-SV40 immortalized human GAA-deficient fibroblast cells and abnormal processing and synthesis of GAA when expressed in COS cells (Lam et al., 2003; Flanagan et al., 2009); Not observed at significant frequency in large population cohorts (gnomAD); In silico analysis supports that this missense variant has a deleterious effect on protein structure/function; This variant is associated with the following publications: (PMID: 23884227, 21471980, 12601120, 21704464, 27692865, 24190153, 24169249, 21984055, 29124014, 29451150, 30281819, 25526786, 24872213, 18495398, 21940687, 25388776, 17805474, 22521436, 11053688, 22253258, 19343043, 34405923, 34922579, 19862843)

NM_000152.5(GAA):c.1309C>T (p.Arg437Cys)

Gene: GAA (alpha glucosidase; plus strand). Cytogenetic location: 17q25.3.
Variant type: single nucleotide variant.
Coding change: c.1309C>T on transcript NM_000152.5 (MANE Select); coding-DNA position 1309, C replaced by T.
Protein change: p.Arg437Cys; replaces arginine 437 with cysteine.
Molecular consequence: missense variant.
Genome position (GRCh38, 1-based): chr17:80,108,811, C>T. VCF-style: chr17-80108811-C-T. GRCh37 (hg19) VCF-style: chr17-78082610-C-T.
Other names: NM_000152.5(GAA):c.1309C>T; c.1309C>T (LRG_673t1); c.1309C>T, p.Arg437Cys (NM_001079803.3, NM_001079804.3); short protein forms R437C.
Identifiers: ClinVar variation 189082 (VCV000189082.37), dbSNP rs770610356, ClinGen allele CA274356.